The following is an entry in ClinVar:

NM_001379210.1(SLC25A26):c.623C>T (p.Thr208Met)

Gene: SLC25A26 (solute carrier family 25 member 26; plus strand). Cytogenetic location: 3p14.1.
Variant type: single nucleotide variant.
Coding change: c.623C>T on transcript NM_001379210.1 (MANE Select); coding-DNA position 623, C replaced by T.
Protein change: p.Thr208Met; replaces threonine 208 with methionine.
Molecular consequence: missense variant. On other transcripts: non-coding transcript variant (1).
Genome position (GRCh38, 1-based): chr3:66,369,532, C>T. VCF-style: chr3-66369532-C-T. GRCh37 (hg19) VCF-style: chr3-66419956-C-T.
Other names: p.Thr208Met; c.359C>T, p.Thr120Met (NM_001164796.1, NM_001350993.1); c.623C>T, p.Thr208Met (NM_173471.4); short protein forms T120M, T208M.
Identifiers: ClinVar variation 683936 (VCV000683936.14), dbSNP rs13874, ClinGen allele CA2483800.

ClinVar aggregate classification (germline): Benign. Review status: criteria provided, multiple submitters, no conflicts (2 of 4 stars). 6 submissions from 6 submitters: Benign (6). Last evaluated 2026-02-03.

Conditions:
Combined oxidative phosphorylation deficiency 28 (COXPD28). Identifiers: Orphanet 466784, MedGen C5569081, MONDO:0014775, OMIM 616794.

Allele frequency attached by ClinVar (database versions not stated): ESP Exome Variant Server 0.55690; gnomAD 0.57380 and 0.57626; TOPMed 0.58717; 1000 Genomes Project 0.67991; 1000 Genomes Project 30x 0.68207.
gnomAD v4.1: 769,997 of 1,589,900 alleles (48%); highest among the groups gnomAD compares: African/African-American, 79%; 195,772 homozygotes.

Submissions (6):

Labcorp Genetics (formerly Invitae), Labcorp
Classification: Benign. Last evaluated: 2026-02-03. Review status: criteria provided, single submitter. Criteria: Invitae Variant Classification Sherloc (09022015). Collection method: clinical testing. Allele origin: germline.

Blueprint Genetics
Classification: Benign. Last evaluated: 2024-11-26. Review status: criteria provided, single submitter. Criteria: ACMG Guidelines, 2015. Collection method: clinical testing. Allele origin: germline.

Mayo Clinic Laboratories, Mayo Clinic
Classification: Benign. Last evaluated: 2022-10-27. Review status: criteria provided, single submitter. Criteria: ACMG Guidelines, 2015. Collection method: clinical testing. Allele origin: germline. Observed: 195 variant alleles.

Genome-Nilou Lab
Classification: Benign for Combined oxidative phosphorylation deficiency 28. Last evaluated: 2021-07-15. Review status: criteria provided, single submitter. Criteria: ACMG Guidelines, 2015. Collection method: clinical testing. Allele origin: germline. Affected: no.

GeneDx
Classification: Benign. Last evaluated: 2018-06-14. Review status: criteria provided, single submitter. Criteria: GeneDx Variant Classification (06012015). Collection method: clinical testing. Allele origin: germline. Affected: yes.
Comment: This variant is considered likely benign or benign based on one or more of the following criteria: it is a conservative change, it occurs at a poorly conserved position in the protein, it is predicted to be benign by multiple in silico algorithms, and/or has population frequency not consistent with disease.

Breakthrough Genomics
Classification: Benign. Review status: criteria provided, single submitter. Criteria: ACMG Guidelines, 2015. Collection method: not provided. Allele origin: germline. Inheritance: Autosomal recessive inheritance. Affected: yes.